The following is an entry in ClinVar:

NM_000498.3(CYP11B2):c.65_77del (p.Arg22fs)

Genes: CYP11B2 (cytochrome P450 family 11 subfamily B member 2; minus strand), LOC106799834 (CYP11B2 recombination region; plus strand). Cytogenetic location: 8q24.3.
Variant type: Deletion.
Coding change: c.65_77del on transcript NM_000498.3 (MANE Select); coding-DNA positions 65 to 77, 13 bases deleted (GGGCACTGGGCAC).
Protein change: p.Arg22fs; shifts the reading frame from arginine 22.
Molecular consequence: frameshift variant.
Genome position (GRCh38, 1-based): chr8:142,917,764-142,917,776, GTGCCCAGTGCCC deleted on the plus strand (GGGCACTGGGCAC on the coding strand, the reverse complement: CYP11B2 is on the minus strand); deleting any 13 consecutive bases within chr8:142,917,764-142,917,782 gives the same sequence; the c. name uses the placement nearest the transcript's 3' end. VCF-style (leftmost placement, unchanged base first): chr8-142917763-AGTGCCCAGTGCCC-A. GRCh37 (hg19) VCF-style: chr8-143999179-AGTGCCCAGTGCCC-A.
Other names: short protein forms R22fs.
Identifiers: ClinVar variation 2983211 (VCV002983211.3), dbSNP rs2488703345, ClinGen allele CA2579268526.

ClinVar aggregate classification (germline): Pathogenic (1 of 4 stars; one submission).

Submission:

Labcorp Genetics (formerly Invitae), Labcorp
Classification: Pathogenic. Last evaluated: 2023-04-09. Review status: criteria provided, single submitter. Criteria: Invitae Variant Classification Sherloc (09022015). Collection method: clinical testing. Allele origin: germline.
Comment: For these reasons, this variant has been classified as Pathogenic. This variant has not been reported in the literature in individuals affected with CYP11B2-related conditions. This variant is not present in population databases (gnomAD no frequency). This sequence change creates a premature translational stop signal (p.Arg22Leufs*25) in the CYP11B2 gene. It is expected to result in an absent or disrupted protein product. Loss-of-function variants in CYP11B2 are known to be pathogenic (PMID: 20494601, 22801770, 26936515).

Literature cited by the submitters: PubMed 20494601; PubMed 22801770; PubMed 26936515.